The following is an entry in ClinVar:

ClinVar aggregate classification (germline): Conflicting classifications of pathogenicity. Review status: criteria provided, conflicting classifications (1 of 4 stars). 2 submissions from 2 submitters: Likely pathogenic (1); Uncertain significance (1). Last evaluated 2025-07-01.

Conditions:
ZTTK syndrome (ZTTKS). Also called: ZTTK MULTIPLE CONGENITAL ANOMALIES-MENTAL RETARDATION SYNDROME; Zhu-Tokita-Takenouchi-Kim Syndrome. Identifiers: Orphanet 500150, MedGen C4310696, MONDO:0014936, OMIM 617140.
SON-related disorder. Also called: SON-related condition.

gnomAD v4.1: 6 of 1,592,572 alleles (0.00038%); highest among the groups gnomAD compares: East Asian, 0.011%; no homozygotes.

Submissions (2):

PreventionGenetics, part of Exact Sciences
Classification: Likely pathogenic for SON-related condition. Last evaluated: 2025-07-01. Review status: criteria provided, single submitter. Criteria: ACMG Guidelines, 2015. Collection method: clinical testing. Allele origin: germline.
Comment: The SON c.78-2A>C variant is predicted to disrupt the AG splice acceptor site and interfere with normal splicing. This variant is predicted to ablate the canonical AG acceptor splice site, but also predicted to increase the strength of a cryptic AG acceptor splice site 6 nucleotides downstream, potentially leading to a 2 amino acid in-frame deletion (SpliceAI, Jaganathan et al. 2019. PubMed ID: 30661751). This variant has been reported with de novo occurrence in a fetus with complete agenesis of the corpus callosum (Lei et al. 2022. PubMed ID: 35088901). An alternate variant affecting this same splice site (c.78-1G>A) has been reported in ClinVar with a classification of pathogenic. This variant is present in 0.029% of alleles in individuals of East Asian descent in gnomAD. Variants that disrupt the consensus splice acceptor site and other loss of function variants in SON are an established mechanism of disease. Given the evidence, we interpret this variant as likely pathogenic.

Juno Genomics, Hangzhou Juno Genomics, Inc
Classification: Uncertain significance for ZTTK syndrome. Review status: criteria provided, single submitter. Criteria: ACMG Guidelines, 2015. Collection method: clinical testing. Allele origin: germline.
Comment: Absent from controls (or at extremely low frequency if recessive) in Genome Aggregation Database.;Null variant in a gene where loss of function (LOF) is a known mechanism of disease.;Observed in a healthy adult individual for a recessive/dominant/X-linked disorder with full penetrance.

NM_138927.4(SON):c.78-2A>C

Gene: SON (SON DNA and RNA binding protein; plus strand). Cytogenetic location: 21q22.11.
Variant type: single nucleotide variant.
Coding change: c.78-2A>C on transcript NM_138927.4 (MANE Select); the canonical splice acceptor site of the intron before coding-DNA position 78, A replaced by C.
Molecular consequence: splice acceptor variant.
Genome position (GRCh38, 1-based): chr21:33,546,211, A>C. VCF-style: chr21-33546211-A-C. GRCh37 (hg19) VCF-style: chr21-34918517-A-C.
Other names: c.78-2A>C (NM_001291412.3, NM_032195.3, NM_001291411.2).
Identifiers: ClinVar variation 4998731 (VCV004998731.2).
Genomic context (GRCh38, chr21:33,546,211, plus strand): 5'-TGGATTTTTTTATTAATGGTATGATAAAATATTAATGAATTTCGATAACTTTTCATGTCA[A>C]GTGGAAGGAATGAAGGCCAGCTGAATGGTGAAACAAATACACCCATTGAAGGAAACCAGG-3'